The following is an entry in ClinVar:

ClinVar aggregate classification (germline): Uncertain significance (1 of 4 stars; one submission).

Conditions:
Muscular dystrophy-dystroglycanopathy (congenital with brain and eye anomalies), type A2. Also called: MUSCULAR DYSTROPHY-DYSTROGLYCANOPATHY (CONGENITAL WITH BRAIN AND EYE ANOMALIES), TYPE A, 2; WALKER-WARBURG SYNDROME OR MUSCLE-EYE-BRAIN DISEASE, POMT2-RELATED. Identifiers: Orphanet 588, Orphanet 899, MedGen C3150411, MONDO:0013154, OMIM 613150.
Autosomal recessive limb-girdle muscular dystrophy type 2N. Also called: MUSCULAR DYSTROPHY-DYSTROGLYCANOPATHY, LIMB-GIRDLE, POMT2-RELATED; Muscular dystrophy-dystroglycanopathy (limb-girdle), type C, 2. Identifiers: Orphanet 206559, MedGen C3150418, MONDO:0013162, OMIM 613158.
Muscular dystrophy-dystroglycanopathy (congenital with impaired intellectual development), type B, 2. Also called: MUSCULAR DYSTROPHY, CONGENITAL, POMT2-RELATED; Muscular dystrophy-dystroglycanopathy (congenital with intellectual disability), type B2. Identifiers: MedGen C3150416, MONDO:0013160, OMIM 613156.

Allele frequency attached by ClinVar (database versions not stated): gnomAD exomes below 0.00001.
gnomAD v4.1: 7 of 1,614,146 alleles (0.00043%); highest among the groups gnomAD compares: Non-Finnish European, 0.00059%; no homozygotes.

Submission:

Labcorp Genetics (formerly Invitae), Labcorp
Classification: Uncertain significance for Muscular dystrophy-dystroglycanopathy (congenital with impaired intellectual development), type B, 2; Muscular dystrophy-dystroglycanopathy (congenital with brain and eye anomalies), type A2; Autosomal recessive limb-girdle muscular dystrophy type 2N. Last evaluated: 2021-10-14. Review status: criteria provided, single submitter. Criteria: Invitae Variant Classification Sherloc (09022015). Collection method: clinical testing. Allele origin: germline.
Comment: This sequence change falls in intron 5 of the POMT2 gene. It does not directly change the encoded amino acid sequence of the POMT2 protein. It affects a nucleotide within the consensus splice site. This variant is not present in population databases (ExAC no frequency). This variant has not been reported in the literature in individuals affected with POMT2-related conditions. Variants that disrupt the consensus splice site are a relatively common cause of aberrant splicing (PMID: 17576681, 9536098). Algorithms developed to predict the effect of sequence changes on RNA splicing suggest that this variant is not likely to affect RNA splicing. In summary, the available evidence is currently insufficient to determine the role of this variant in disease. Therefore, it has been classified as a Variant of Uncertain Significance.

Literature cited by the submitters: PubMed 17576681; PubMed 9536098.

NM_013382.7(POMT2):c.657-3C>T

Gene: POMT2 (protein O-mannosyltransferase 2; minus strand). Cytogenetic location: 14q24.3.
Variant type: single nucleotide variant.
Coding change: c.657-3C>T on transcript NM_013382.7 (MANE Select); 3 bases into the intron before coding-DNA position 657, C replaced by T.
Molecular consequence: intron variant.
Genome position (GRCh38, 1-based): chr14:77,301,252, G>A on the plus strand (C>T on the coding strand, the complement: POMT2 is on the minus strand). VCF-style: chr14-77301252-G-A. GRCh37 (hg19) VCF-style: chr14-77767595-G-A.
Identifiers: ClinVar variation 1375039 (VCV001375039.3), dbSNP rs2139480952, ClinGen allele CA2573150242.